The following is an entry in ClinVar:

ClinVar aggregate classification (germline): Uncertain significance (1 of 4 stars; one submission).

Submission:

Labcorp Genetics (formerly Invitae), Labcorp
Classification: Uncertain significance. Last evaluated: 2025-02-10. Review status: criteria provided, single submitter. Criteria: Invitae Variant Classification Sherloc (09022015). Collection method: clinical testing. Allele origin: germline.
Comment: This sequence change replaces arginine, which is basic and polar, with proline, which is neutral and non-polar, at codon 400 of the SERPING1 protein (p.Arg400Pro). This variant is not present in population databases (gnomAD no frequency). This variant has not been reported in the literature in individuals affected with SERPING1-related conditions. Invitae Evidence Modeling of protein sequence and biophysical properties (such as structural, functional, and spatial information, amino acid conservation, physicochemical variation, residue mobility, and thermodynamic stability) indicates that this missense variant is expected to disrupt SERPING1 protein function with a positive predictive value of 80%. In summary, the available evidence is currently insufficient to determine the role of this variant in disease. Therefore, it has been classified as a Variant of Uncertain Significance.

NM_000062.3(SERPING1):c.1199G>C (p.Arg400Pro)

Gene: SERPING1 (serpin family G member 1; plus strand). Cytogenetic location: 11q12.1.
Variant type: single nucleotide variant.
Coding change: c.1199G>C on transcript NM_000062.3 (MANE Select); coding-DNA position 1199, G replaced by C.
Protein change: p.Arg400Pro; replaces arginine 400 with proline.
Molecular consequence: missense variant.
Genome position (GRCh38, 1-based): chr11:57,611,886, G>C. VCF-style: chr11-57611886-G-C. GRCh37 (hg19) VCF-style: chr11-57379359-G-C.
Other names: c.1199G>C, p.Arg400Pro (NM_001032295.2); short protein forms R400P.
Identifiers: ClinVar variation 3651193 (VCV003651193.2).